The following is an entry in ClinVar:

ClinVar aggregate classification (germline): Uncertain significance (1 of 4 stars; one submission).

Submission:

GeneDx
Classification: Uncertain significance. Last evaluated: 2025-08-16. Review status: criteria provided, single submitter. Criteria: GeneDx Variant Classification Process June 2021. Collection method: clinical testing. Allele origin: germline. Affected: yes.
Comment: Not observed at significant frequency in large population cohorts (gnomAD); In silico analysis supports that this missense variant has a deleterious effect on protein structure/function; Has not been previously published as pathogenic or benign to our knowledge

NM_006662.3(SRCAP):c.67G>C (p.Gly23Arg)

Gene: SRCAP (Snf2 related CREBBP activator protein; plus strand). Cytogenetic location: 16p11.2.
Variant type: single nucleotide variant.
Coding change: c.67G>C on transcript NM_006662.3 (MANE Select); coding-DNA position 67, G replaced by C.
Protein change: p.Gly23Arg; replaces glycine 23 with arginine.
Molecular consequence: missense variant.
Genome position (GRCh38, 1-based): chr16:30,704,076, G>C. VCF-style: chr16-30704076-G-C. GRCh37 (hg19) VCF-style: chr16-30715397-G-C.
Other names: short protein forms G23R.
Identifiers: ClinVar variation 4795316 (VCV004795316.1).